The following is an entry in ClinVar:

ClinVar aggregate classification (germline): Pathogenic (1 of 4 stars; one submission).

Conditions:
6-Pyruvoyl-tetrahydrobiopterin synthase deficiency. Also called: BH4-deficient hyperphenylalaninemia A; PTS DEFICIENCY; PTS-Related Tetrahydrobiopterin Deficiency; 6-Pyruvoyltetrahydropterin Synthase Deficiency; HYPERPHENYLALANINEMIA, TETRAHYDROBIOPTERIN-DEFICIENT, DUE TO PTS DEFICIENCY; Hyperphenylalanemia, BH4-deficient, A. Identifiers: Orphanet 13, Orphanet 238583, MedGen C0878676, MONDO:0009863, OMIM 261640.

Submission:

Women's Health and Genetics/Laboratory Corporation of America, LabCorp
Classification: Pathogenic for 6-Pyruvoyl-tetrahydrobiopterin synthase deficiency. Last evaluated: 2025-03-10. Review status: criteria provided, single submitter. Criteria: LabCorp Variant Classification Summary - May 2015. Collection method: clinical testing. Allele origin: germline.
Comment: Variant summary: The variant involves the deletion of exons 5-6 in the PTS gene. A presumed nomenclature of c.(243+1_244-1)_(*419_?)del has been designated for the purposes of this classification. The exact breakpoint at the distal 3' end of this variant is unknown, therefore this deletion may extend downstream of the annotated region of the gene. As it encompasses the termination codon, it is predicted to escape nonsense mediated decay (NMD). The variant was absent in 123110 control chromosomes in the gnomAD database (Structural Variants v4.1 dataset). c.(243+1_244-1)_(*419_?)del has been reported in the literature in an individuals affected with 6-Pyruvoyl-Tetrahydropterin Synthase Deficiency (Wang_2018). To our knowledge, no experimental evidence demonstrating an impact on protein function has been reported. However, several missense changes in the deleted region have been reported in affected individuals (HGMD), and were classified as Pathogenic by our laboratory and others in ClinVar, indicating the clinical importance of the disrupted protein region. The following publication have been ascertained in the context of this evaluation (PMID: 29499199). No submitters have cited clinical-significance assessments for this variant to ClinVar. Based on the evidence outlined above, the variant was classified as pathogenic.

Literature cited by the submitters: PubMed 29499199.

NC_000011.9:g.(112101406_112103885)_(112104697_?)del

Gene: PTS (6-pyruvoyltetrahydropterin synthase; plus strand). Cytogenetic location: 11q23.1.
Variant type: Deletion.
Identifiers: ClinVar variation 3895739 (VCV003895739.1).